The following is an entry in ClinVar:

ClinVar aggregate classification (germline): Uncertain significance. Review status: criteria provided, multiple submitters, no conflicts (2 of 4 stars). 2 submissions from 2 submitters: Uncertain significance (2). Last evaluated 2025-08-11.

Conditions:
Inborn genetic diseases. Identifiers: MedGen C0950123, MeSH D030342.

Submissions (2):

Ambry Genetics
Classification: Uncertain significance for Inborn genetic diseases. Last evaluated: 2025-08-11. Review status: criteria provided, single submitter. Criteria: Ambry Variant Classification Scheme 2023. Collection method: clinical testing. Allele origin: germline.

Labcorp Genetics (formerly Invitae), Labcorp
Classification: Uncertain significance. Last evaluated: 2022-04-07. Review status: criteria provided, single submitter. Criteria: Invitae Variant Classification Sherloc (09022015). Collection method: clinical testing. Allele origin: germline.
Comment: In summary, the available evidence is currently insufficient to determine the role of this variant in disease. Therefore, it has been classified as a Variant of Uncertain Significance. Algorithms developed to predict the effect of missense changes on protein structure and function (SIFT, PolyPhen-2, Align-GVGD) all suggest that this variant is likely to be tolerated. This variant has not been reported in the literature in individuals affected with CACNA1D-related conditions. This variant is not present in population databases (gnomAD no frequency). This sequence change replaces leucine, which is neutral and non-polar, with phenylalanine, which is neutral and non-polar, at codon 392 of the CACNA1D protein (p.Leu392Phe).

NM_000720.4(CACNA1D):c.1174C>T (p.Leu392Phe)

Gene: CACNA1D (calcium voltage-gated channel subunit alpha1 D; plus strand). Cytogenetic location: 3p21.1.
Variant type: single nucleotide variant.
Coding change: c.1174C>T on transcript NM_000720.4 (MANE Plus Clinical); coding-DNA position 1174, C replaced by T.
Protein change: p.Leu392Phe; replaces leucine 392 with phenylalanine.
Molecular consequence: missense variant. On other transcripts: intron variant (2).
Genome position (GRCh38, 1-based): chr3:53,673,770, C>T. VCF-style: chr3-53673770-C-T. GRCh37 (hg19) VCF-style: chr3-53707797-C-T.
Other names: c.1220+644C>T (NM_001128840.3, NM_001128839.3); c.1174C>T (NM_000720.2); short protein forms L392F.
Identifiers: ClinVar variation 1978295 (VCV001978295.5), dbSNP rs2473110189, ClinGen allele CA353384121.